The following is an entry in ClinVar:

ClinVar aggregate classification (germline): Uncertain significance (1 of 4 stars; one submission).

Conditions:
Charcot-Marie-Tooth disease dominant intermediate C (CMTDIC). Also called: CHARCOT-MARIE-TOOTH NEUROPATHY, DOMINANT INTERMEDIATE C. Identifiers: Orphanet 100045, MedGen C1842237, MONDO:0012012, OMIM 608323.

Submission:

Labcorp Genetics (formerly Invitae), Labcorp
Classification: Uncertain significance for Charcot-Marie-Tooth disease dominant intermediate C. Last evaluated: 2023-02-24. Review status: criteria provided, single submitter. Criteria: Invitae Variant Classification Sherloc (09022015). Collection method: clinical testing. Allele origin: germline.
Comment: This variant, c.1118_1135dup, results in the insertion of 6 amino acid(s) of the YARS protein (p.Gly373_Val378dup), but otherwise preserves the integrity of the reading frame. This variant has not been reported in the literature in individuals affected with YARS-related conditions. This variant is present in population databases (no rsID available, gnomAD 0.0009%). In summary, the available evidence is currently insufficient to determine the role of this variant in disease. Therefore, it has been classified as a Variant of Uncertain Significance.

NM_003680.4(YARS1):c.1118_1135dup (p.Val378_Glu379insGlyLysIleIleThrVal)

Gene: YARS1 (tyrosyl-tRNA synthetase 1; minus strand). Cytogenetic location: 1p35.1.
Variant type: Duplication.
Coding change: c.1118_1135dup on transcript NM_003680.4 (MANE Select); coding-DNA positions 1118 to 1135, 18 bases duplicated (GGAAAATCATCACTGTGG).
Protein change: p.Val378_Glu379insGlyLysIleIleThrVal.
Molecular consequence: inframe insertion.
Genome position (GRCh38, 1-based): chr1:32,781,053-32,781,070, CCACAGTGATGATTTTCC duplicated on the plus strand (GGAAAATCATCACTGTGG on the coding strand, the reverse complement: YARS1 is on the minus strand); duplicating any 18 consecutive bases within chr1:32,781,053-32,781,075 gives the same sequence; the c. name uses the placement nearest the transcript's 3' end. VCF-style (leftmost placement, unchanged base first): chr1-32781052-T-TCCACAGTGATGATTTTCC. GRCh37 (hg19) VCF-style: chr1-33246653-T-TCCACAGTGATGATTTTCC.
Identifiers: ClinVar variation 2894198 (VCV002894198.3), dbSNP rs1557446288, ClinGen allele CA522246401.